The following is an entry in ClinVar:

NM_000404.4(GLB1):c.1426C>T (p.Leu476=)

Gene: GLB1 (galactosidase beta 1; minus strand). Cytogenetic location: 3p22.3.
Variant type: single nucleotide variant.
Coding change: c.1426C>T on transcript NM_000404.4 (MANE Select); coding-DNA position 1426, C replaced by T.
Protein change: p.Leu476=; no amino-acid change (leucine 476 retained).
Molecular consequence: synonymous variant.
Genome position (GRCh38, 1-based): chr3:33,016,762, G>A on the plus strand (C>T on the coding strand, the complement: GLB1 is on the minus strand). VCF-style: chr3-33016762-G-A. GRCh37 (hg19) VCF-style: chr3-33058254-G-A.
Other names: c.1336C>T, p.Leu446= (NM_001079811.3); c.1033C>T, p.Leu345= (NM_001135602.3); c.1570C>T, p.Leu524= (NM_001317040.2); c.1426C>T, p.Leu476= (NM_001393580.1); c.1426C>T (NM_000404.3).
Identifiers: ClinVar variation 92897 (VCV000092897.25), dbSNP rs113534264, ClinGen allele CA220717.

ClinVar aggregate classification (germline): Conflicting classifications of pathogenicity. Review status: criteria provided, conflicting classifications (1 of 4 stars). 7 submissions from 6 submitters: Uncertain significance (3); Likely benign (3). 1 of the submissions does not count toward it. Last evaluated 2026-02-01.

Conditions:
Mucopolysaccharidosis, MPS-IV-B (MPS4B). Also called: Mucopolysaccharidosis type 4B; Mucopolysaccharidosis type IV B; Mucopolysaccharidosis type IVB (Morquio); Mucopolysaccharidosis Type IVB (Morquio B Disease); MPS IVB; MORQUIO SYNDROME B. Identifiers: Orphanet 309310, Orphanet 582, MedGen C0086652, MONDO:0009660, OMIM 253010.
Infantile GM1 gangliosidosis. Also called: Gangliosidosis, Generalized GM1, Type 1; GM1 gangliosidosis type 1; GM1-gangliosidosis, type I; Gangliosidosis, generalized GM1, infantile form; GLB1 deficiency. Identifiers: Orphanet 354, Orphanet 79255, MedGen C0268271, MONDO:0009260, OMIM 230500.
GLB1-related disorder. Also called: GLB1-related disorders. Identifiers: MedGen CN377807.
GM1 gangliosidosis. Identifiers: Orphanet 354, MedGen C0085131, MONDO:0018149.

Allele frequency attached by ClinVar (database versions not stated): ExAC 0.00039; gnomAD exomes 0.00056; ESP Exome Variant Server 0.00065; gnomAD 0.00080 and 0.00083; TOPMed 0.00093; 1000 Genomes Project 30x 0.00125; 1000 Genomes Project 0.00140.
gnomAD v4.1: 691 of 1,614,170 alleles (0.043%); highest among the groups gnomAD compares: Middle Eastern, 0.84%; 1 homozygote.

Submissions (7):

Labcorp Genetics (formerly Invitae), Labcorp
Classification: Likely benign for Mucopolysaccharidosis, MPS-IV-B; GM1 gangliosidosis. Last evaluated: 2026-02-01. Review status: criteria provided, single submitter. Criteria: Invitae Variant Classification Sherloc (09022015). Collection method: clinical testing. Allele origin: germline.

Blueprint Genetics
Classification: Likely benign. Last evaluated: 2024-11-25. Review status: criteria provided, single submitter. Criteria: ACMG Guidelines, 2015. Collection method: clinical testing. Allele origin: germline.

Genome-Nilou Lab
Classification: Likely benign for Infantile GM1 gangliosidosis. Last evaluated: 2021-05-18. Review status: criteria provided, single submitter. Criteria: ACMG Guidelines, 2015. Collection method: clinical testing. Allele origin: germline. Affected: no.

Illumina Laboratory Services, Illumina
Classification: Uncertain significance for Mucopolysaccharidosis, MPS-IV-B. Last evaluated: 2018-01-13. Review status: criteria provided, single submitter. Criteria: ICSL Variant Classification Criteria 13 December 2019. Collection method: clinical testing. Allele origin: germline.

Illumina Laboratory Services, Illumina
Classification: Uncertain significance for GM1 gangliosidosis. Last evaluated: 2018-01-13. Review status: criteria provided, single submitter. Criteria: ICSL Variant Classification Criteria 13 December 2019. Collection method: clinical testing. Allele origin: germline.

Eurofins Ntd Llc (ga)
Classification: Uncertain significance. Last evaluated: 2014-06-24. Review status: criteria provided, single submitter. Criteria: EGL Classification Definitions 2015. Collection method: clinical testing. Allele origin: germline. Observed: 4 variant alleles, 3 heterozygotes, 1 homozygote.

PreventionGenetics, part of Exact Sciences
Classification: Likely benign for GLB1-related condition. Last evaluated: 2019-11-21. Review status: no assertion criteria provided. Collection method: clinical testing. Allele origin: germline. Not counted in ClinVar's aggregate classification.
Comment: This variant is classified as likely benign based on ACMG/AMP sequence variant interpretation guidelines (Richards et al. 2015 PMID: 25741868, with internal and published modifications).